The following is an entry in ClinVar:

ClinVar aggregate classification (germline): Pathogenic (1 of 4 stars; one submission).

Conditions:
Hereditary breast ovarian cancer syndrome. Also called: Hereditary breast and ovarian cancer; Hereditary breast and/or ovarian cancer syndrome; Hereditary breast and ovarian cancer syndrome; Hereditary breast and ovarian cancer syndrome (HBOC); Breast and ovarian cancer; BRCA1- and BRCA2-Associated Hereditary Breast and Ovarian Cancer. Identifiers: Orphanet 145, MedGen C0677776, MeSH D061325, MONDO:0003582. Disease mechanism: loss of function.

Submission:

Labcorp Genetics (formerly Invitae), Labcorp
Classification: Pathogenic for Hereditary breast ovarian cancer syndrome. Last evaluated: 2024-07-24. Review status: criteria provided, single submitter. Criteria: Invitae Variant Classification Sherloc (09022015). Collection method: clinical testing. Allele origin: germline.
Comment: This sequence change creates a premature translational stop signal (p.Glu515Valfs*15) in the BRCA1 gene. It is expected to result in an absent or disrupted protein product. Loss-of-function variants in BRCA1 are known to be pathogenic (PMID: 20104584). This variant is not present in population databases (gnomAD no frequency). This premature translational stop signal has been observed in individual(s) with clinical features of hereditary breast and ovarian cancer syndrome (PMID: 32856869). ClinVar contains an entry for this variant (Variation ID: 2066155). For these reasons, this variant has been classified as Pathogenic.

Literature cited by the submitters: PubMed 20104584; PubMed 32856869.

NM_007294.4(BRCA1):c.1544_1550del (p.Glu515fs)

Gene: BRCA1 (BRCA1 DNA repair associated; minus strand). Cytogenetic location: 17q21.31.
Variant type: Deletion.
Coding change: c.1544_1550del on transcript NM_007294.4 (MANE Select); coding-DNA positions 1544 to 1550, 7 bases deleted (AGGATTT; older notation c.1544_1550delAGGATTT).
Protein change: p.Glu515fs; shifts the reading frame from glutamic acid 515.
Molecular consequence: frameshift variant. On other transcripts: intron variant (137).
Genome position (GRCh38, 1-based): chr17:43,093,981-43,093,987, AAATCCT deleted on the plus strand (AGGATTT on the coding strand, the reverse complement: BRCA1 is on the minus strand). VCF-style (leftmost placement, unchanged base first): chr17-43093980-AAAATCCT-A. GRCh37 (hg19) VCF-style: chr17-41245997-AAAATCCT-A.
Other names: c.1331_1337del, p.Glu444fs (NM_001407571.1, NM_001407853.1, NM_001407894.1 and 9 more transcripts); c.1544_1550del, p.Glu515fs (NM_001407581.1, NM_001407582.1, NM_001407583.1 and 30 more transcripts); c.1541_1547del, p.Glu514fs (NM_001407587.1, NM_001407590.1, NM_001407591.1 and 22 more transcripts); c.1535_1541del, p.Glu512fs (NM_001407646.1, NM_001407647.1); c.1421_1427del, p.Glu474fs (NM_001407648.1, NM_001407664.1, NM_001407665.1 and 19 more transcripts); c.1418_1424del, p.Glu473fs (NM_001407649.1, NM_001407670.1, NM_001407671.1 and 11 more transcripts); c.1466_1472del, p.Glu489fs (NM_001407653.1, NM_001407654.1, NM_001407655.1 and 4 more transcripts); c.1463_1469del, p.Glu488fs (NM_001407659.1, NM_001407660.1, NM_001407661.1 and 1 more transcripts); and 40 more; short protein forms E515fs, E468fs, E426fs, E445fs, E448fs, E512fs, E514fs, E347fs.
Identifiers: ClinVar variation 2066155 (VCV002066155.4), dbSNP rs2552202616, ClinGen allele CA2580093804.